The following is an entry in ClinVar:

NM_024596.5(MCPH1):c.348del (p.Phe116fs)

Gene: MCPH1 (microcephalin 1; plus strand). Cytogenetic location: 8p23.1.
Variant type: Deletion.
Coding change: c.348del on transcript NM_024596.5 (MANE Select); coding-DNA position 348, one base deleted (T; older notation c.348delT).
Protein change: p.Phe116fs; shifts the reading frame from phenylalanine 116.
Molecular consequence: frameshift variant.
Genome position (GRCh38, 1-based): chr8:6,436,074, T deleted; the last of 4 consecutive T bases (chr8:6,436,071-6,436,074); deleting any one gives the same sequence. VCF-style (leftmost placement, unchanged base first): chr8-6436070-AT-A. GRCh37 (hg19) VCF-style: chr8-6293591-AT-A.
Other names: c.348del, p.Phe116fs (NM_001172574.2, NM_001172575.2, NM_001322042.2 and 4 more transcripts); c.342del, p.Phe114fs (NM_001322043.2); c.246del, p.Phe82fs (NM_001322045.2); short protein forms F114fs, F116fs, F82fs.
Identifiers: ClinVar variation 2903095 (VCV002903095.4), dbSNP rs775640880, ClinGen allele CA4610201.

ClinVar aggregate classification (germline): Pathogenic. Review status: criteria provided, multiple submitters, no conflicts (2 of 4 stars). 2 submissions from 2 submitters: Pathogenic (2). Last evaluated 2026-03-16.

Conditions:
Microcephaly 1, primary, autosomal recessive (MCPH1). Also called: PREMATURE CHROMOSOME CONDENSATION SYNDROME; PCC SYNDROME; PREMATURE CHROMOSOME CONDENSATION WITH MICROCEPHALY AND MENTAL RETARDATION. Identifiers: Orphanet 2512, MedGen C1855081, MONDO:0009617, OMIM 251200.

Submissions (2):

Myriad Genetics, Inc.
Classification: Pathogenic for Microcephaly 1, primary, autosomal recessive. Last evaluated: 2026-03-16. Review status: criteria provided, single submitter. Criteria: Myriad Autosomal Dominant, Autosomal Recessive and X-Linked Classification Criteria (2023). Collection method: clinical testing. Allele origin: unknown.
Comment: NM_024596.3(MCPH1):c.348delT(F116Lfs*30) is a frameshift variant classified as pathogenic in the context of primary microcephaly, MCPH1-related. F116Lfs*30 has been observed in a case with relevant disease (PMID: 36553323). Relevant functional assessments of this variant are not available in the literature. F116Lfs*30 has been observed in referenced population frequency databases. In summary, NM_024596.3(MCPH1):c.348delT(F116Lfs*30) is a frameshift variant in a gene where loss of function is a known mechanism of disease, is predicted to disrupt protein function, and has been observed more frequently in cases with the relevant disease than in healthy populations. Please note: this variant was assessed in the context of healthy population screening.

Labcorp Genetics (formerly Invitae), Labcorp
Classification: Pathogenic. Last evaluated: 2023-07-25. Review status: criteria provided, single submitter. Criteria: Invitae Variant Classification Sherloc (09022015). Collection method: clinical testing. Allele origin: germline.
Comment: For these reasons, this variant has been classified as Pathogenic. This variant has not been reported in the literature in individuals affected with MCPH1-related conditions. This variant is present in population databases (rs775640880, gnomAD 0.003%). This sequence change creates a premature translational stop signal (p.Phe116Leufs*30) in the MCPH1 gene. It is expected to result in an absent or disrupted protein product. Loss-of-function variants in MCPH1 are known to be pathogenic (PMID: 20978018).

Literature cited by the submitters: PubMed 36553323 (cited by Myriad Genetics, Inc.); PubMed 20978018 (cited by Labcorp Genetics (formerly Invitae), Labcorp).